The following is an entry in ClinVar:

NM_000208.4(INSR):c.2901C>T (p.Leu967=)

Gene: INSR (insulin receptor; minus strand). Cytogenetic location: 19p13.2.
Variant type: single nucleotide variant.
Coding change: c.2901C>T on transcript NM_000208.4 (MANE Select); coding-DNA position 2901, C replaced by T.
Protein change: p.Leu967=; no amino-acid change (leucine 967 retained).
Molecular consequence: synonymous variant.
Genome position (GRCh38, 1-based): chr19:7,128,896, G>A on the plus strand (C>T on the coding strand, the complement: INSR is on the minus strand). VCF-style: chr19-7128896-G-A. GRCh37 (hg19) VCF-style: chr19-7128907-G-A.
Other names: c.2865C>T, p.Leu955= (NM_001079817.3).
Identifiers: ClinVar variation 2785362 (VCV002785362.3), dbSNP rs2512299906, ClinGen allele CA505217389.
Genomic context (GRCh38, chr19:7,128,896, plus strand): 5'-AACTCACTGAACTCACCTCTTTCTCAGGAATAGATAAATACTTCCAATCACAACACTGAA[G>A]AGAAAGACAAAGATGAGGGGGCCGATGATAATTTTTGCAATATTTGACGGGACGTCTACT-3'
Protein context (NP_000199.2, residues 957-977): IIIGPLIFVF[Leu967=]FSVVIGSIYL

ClinVar aggregate classification (germline): Uncertain significance (1 of 4 stars; one submission).

Submission:

Labcorp Genetics (formerly Invitae), Labcorp
Classification: Uncertain significance. Last evaluated: 2024-02-23. Review status: criteria provided, single submitter. Criteria: Invitae Variant Classification Sherloc (09022015). Collection method: clinical testing. Allele origin: germline.
Comment: This sequence change affects codon 967 of the INSR mRNA. It is a 'silent' change, meaning that it does not change the encoded amino acid sequence of the INSR protein. This variant is not present in population databases (gnomAD no frequency). This variant has not been reported in the literature in individuals affected with INSR-related conditions. Algorithms developed to predict the effect of sequence changes on RNA splicing suggest that this variant may disrupt the consensus splice site. In summary, the available evidence is currently insufficient to determine the role of this variant in disease. Therefore, it has been classified as a Variant of Uncertain Significance.